The following is an entry in ClinVar:

NM_002971.6(SATB1):c.1922A>C (p.Asn641Thr)

Gene: SATB1 (SATB homeobox 1; minus strand). Cytogenetic location: 3p24.3.
Variant type: single nucleotide variant.
Coding change: c.1922A>C on transcript NM_002971.6 (MANE Select); coding-DNA position 1922, A replaced by C.
Protein change: p.Asn641Thr; replaces asparagine 641 with threonine.
Molecular consequence: missense variant.
Genome position (GRCh38, 1-based): chr3:18,349,540, T>G on the plus strand (A>C on the coding strand, the complement: SATB1 is on the minus strand). VCF-style: chr3-18349540-T-G. GRCh37 (hg19) VCF-style: chr3-18391032-T-G.
Other names: c.1922A>C, p.Asn641Thr (NM_001131010.4, NM_001322872.2, NM_001322873.2 and 2 more transcripts); c.2018A>C, p.Asn673Thr (NM_001195470.3, NM_001322871.2); c.1706A>C, p.Asn569Thr (NM_001322876.2); short protein forms N569T, N641T, N673T.
Identifiers: ClinVar variation 3031979 (VCV003031979.2), dbSNP rs2470394475, ClinGen allele CA351853527.

ClinVar aggregate classification (germline): Uncertain significance (0 of 4 stars; one submission).

Conditions:
SATB1-related disorder. Also called: SATB1-related condition.

Submission:

PreventionGenetics, part of Exact Sciences
Classification: Uncertain significance for SATB1-related condition. Last evaluated: 2023-11-16. Review status: no assertion criteria provided. Collection method: clinical testing. Allele origin: germline.
Comment: The SATB1 c.2018A>C variant is predicted to result in the amino acid substitution p.Asn673Thr. To our knowledge, this variant has not been reported in the literature or in a large population database, indicating this variant is rare. At this time, the clinical significance of this variant is uncertain due to the absence of conclusive functional and genetic evidence.